The following is an entry in ClinVar:

NM_001783.4(CD79A):c.514G>A (p.Glu172Lys)

Genes: CD79A (CD79a molecule; plus strand), RPS19-CD79A (RPS19-CD79A readthrough; plus strand). Cytogenetic location: 19q13.2.
Variant type: single nucleotide variant.
Coding change: c.514G>A on transcript NM_001783.4 (MANE Select); coding-DNA position 514, G replaced by A.
Protein change: p.Glu172Lys; replaces glutamic acid 172 with lysine.
Molecular consequence: missense variant.
Genome position (GRCh38, 1-based): chr19:41,880,685, G>A. VCF-style: chr19-41880685-G-A. GRCh37 (hg19) VCF-style: chr19-42384752-G-A.
Other names: c.400G>A, p.Glu134Lys (NM_021601.4); short protein forms E134K, E172K.
Identifiers: ClinVar variation 2103494 (VCV002103494.3), dbSNP rs953006206, ClinGen allele CA308574876.
Genomic context (GRCh38, chr19:41,880,685, plus strand): 5'-ACCTCCCCCTGCTCACTGAGGCACCCACCCCACCCACCCCTACAGAAACGATGGCAGAAC[G>A]AGAAGCTCGGGTTGGATGCCGGGGATGAATATGAAGATGAAAACCTTTATGAAGTGAGTG-3'
Protein context (NP_001774.1, residues 162-182): LLLFRKRWQN[Glu172Lys]KLGLDAGDEY

ClinVar aggregate classification (germline): Uncertain significance (1 of 4 stars; one submission).

Conditions:
Agammaglobulinemia 3, autosomal recessive (AGM3). Also called: AGAMMAGLOBULINEMIA 3; AGAMMAGLOBULINEMIA, AUTOSOMAL RECESSIVE, DUE TO CD79A DEFECT. Identifiers: MedGen C3150751, MONDO:0013288, OMIM 613501.

Allele frequency attached by ClinVar (database versions not stated): gnomAD exomes below 0.00001; gnomAD 0.00001; TOPMed 0.00001.
gnomAD v4.1: 5 of 1,148,018 alleles (0.00044%); highest among the groups gnomAD compares: African/African-American, 0.0017%; no homozygotes.

Submission:

Labcorp Genetics (formerly Invitae), Labcorp
Classification: Uncertain significance for Agammaglobulinemia 3, autosomal recessive. Last evaluated: 2022-07-19. Review status: criteria provided, single submitter. Criteria: Invitae Variant Classification Sherloc (09022015). Collection method: clinical testing. Allele origin: germline.
Comment: This sequence change replaces glutamic acid, which is acidic and polar, with lysine, which is basic and polar, at codon 172 of the CD79A protein (p.Glu172Lys). This variant is not present in population databases (gnomAD no frequency). This variant has not been reported in the literature in individuals affected with CD79A-related conditions. Algorithms developed to predict the effect of missense changes on protein structure and function (SIFT, PolyPhen-2, Align-GVGD) all suggest that this variant is likely to be tolerated. In summary, the available evidence is currently insufficient to determine the role of this variant in disease. Therefore, it has been classified as a Variant of Uncertain Significance.